The following is an entry in ClinVar:

ClinVar aggregate classification (germline): Benign/Likely benign. Review status: criteria provided, multiple submitters, no conflicts (2 of 4 stars). 3 submissions from 3 submitters: Benign (1); Likely benign (2). Last evaluated 2026-01-05.

Allele frequency attached by ClinVar (database versions not stated): gnomAD 0.00037 and 0.00058; TOPMed 0.00065; ExAC 0.00133; gnomAD exomes 0.00151; 1000 Genomes Project 30x 0.00437; 1000 Genomes Project 0.00499.
gnomAD v4.1: 782 of 1,614,178 alleles (0.048%); highest among the groups gnomAD compares: East Asian, 1.4%; 10 homozygotes.

Submissions (3):

Labcorp Genetics (formerly Invitae), Labcorp
Classification: Benign. Last evaluated: 2026-01-05. Review status: criteria provided, single submitter. Criteria: Invitae Variant Classification Sherloc (09022015). Collection method: clinical testing. Allele origin: germline.

CeGaT Center for Human Genetics Tuebingen
Classification: Likely benign. Last evaluated: 2025-05-01. Review status: criteria provided, single submitter. Criteria: CeGaT Center For Human Genetics Tuebingen Variant Classification Criteria Version 2. Collection method: clinical testing. Allele origin: germline. Affected: yes. Observed: 1 variant allele.
Comment: ARMC9: BP4, BS1

Blueprint Genetics
Classification: Likely benign. Last evaluated: 2024-11-08. Review status: criteria provided, single submitter. Criteria: ACMG Guidelines, 2015. Collection method: clinical testing. Allele origin: germline.

NM_001352754.2(ARMC9):c.1153G>A (p.Asp385Asn)

Gene: ARMC9 (armadillo repeat containing 9; plus strand). Cytogenetic location: 2q37.1.
Variant type: single nucleotide variant.
Coding change: c.1153G>A on transcript NM_001352754.2 (MANE Select); coding-DNA position 1153, G replaced by A.
Protein change: p.Asp385Asn; replaces aspartic acid 385 with asparagine.
Molecular consequence: missense variant. On other transcripts: non-coding transcript variant (1).
Genome position (GRCh38, 1-based): chr2:231,271,015, G>A. VCF-style: chr2-231271015-G-A. GRCh37 (hg19) VCF-style: chr2-232135728-G-A.
Other names: c.1153G>A, p.Asp385Asn (NM_001271466.4, NM_001291656.2, NM_001352755.2 and 3 more transcripts); c.1054G>A, p.Asp352Asn (NM_001352757.2, NM_001352758.2); short protein forms D352N, D385N.
Identifiers: ClinVar variation 1166999 (VCV001166999.20), dbSNP rs141090328, ClinGen allele CA2160215.